The following is an entry in ClinVar:

ClinVar aggregate classification (germline): Uncertain significance (1 of 4 stars; one submission).

Conditions:
Hereditary cancer-predisposing syndrome. Also called: Neoplastic Syndromes, Hereditary; Tumor predisposition; Hereditary Cancer Syndrome; Hereditary neoplastic syndrome. Identifiers: Orphanet 140162, MedGen C0027672, MeSH D009386, MONDO:0015356.

Submission:

Ambry Genetics
Classification: Uncertain significance for Hereditary cancer-predisposing syndrome. Last evaluated: 2026-03-01. Review status: criteria provided, single submitter. Criteria: Ambry Variant Classification Scheme 2023. Collection method: clinical testing. Allele origin: germline.
Comment: The p.L240R variant (also known as c.719T>G), located in coding exon 7 of the MRE11A gene, results from a T to G substitution at nucleotide position 719. The leucine at codon 240 is replaced by arginine, an amino acid with dissimilar properties. This amino acid position is conserved. In addition, this alteration is predicted to be deleterious by in silico analysis. Based on the available evidence, the clinical significance of this variant remains unclear.

NM_005591.4(MRE11):c.719T>G (p.Leu240Arg)

Gene: MRE11 (MRE11 double strand break repair nuclease; minus strand). Cytogenetic location: 11q21.
Variant type: single nucleotide variant.
Coding change: c.719T>G on transcript NM_005591.4 (MANE Select); coding-DNA position 719, T replaced by G.
Protein change: p.Leu240Arg; replaces leucine 240 with arginine.
Molecular consequence: missense variant.
Genome position (GRCh38, 1-based): chr11:94,471,700, A>C on the plus strand (T>G on the coding strand, the complement: MRE11 is on the minus strand). VCF-style: chr11-94471700-A-C. GRCh37 (hg19) VCF-style: chr11-94204866-A-C.
Other names: c.719T>G, p.Leu240Arg (NM_001440474.1, NM_001440475.1, NM_001440476.1 and 18 more transcripts); c.644T>G, p.Leu215Arg (NM_001440479.1, NM_001440471.1, NM_001440472.1); c.374T>G, p.Leu125Arg (NM_001440482.1, NM_001440483.1, NM_001440484.1); c.251T>G, p.Leu84Arg (NM_001440485.1, NM_001440486.1, NM_001440487.1); short protein forms L240R, L84R, L125R, L215R.
Identifiers: ClinVar variation 4826831 (VCV004826831.1).